The following is an entry in ClinVar:

ClinVar aggregate classification (germline): Likely benign (0 of 4 stars; one submission).

Conditions:
PLXNA1-related disorder. Also called: PLXNA1-related condition.

gnomAD v4.1: 19 of 1,613,072 alleles (0.0012%); highest among the groups gnomAD compares: East Asian, 0.0022%; no homozygotes.

Submission:

PreventionGenetics, part of Exact Sciences
Classification: Likely benign for PLXNA1-related condition. Last evaluated: 2021-10-20. Review status: no assertion criteria provided. Collection method: clinical testing. Allele origin: germline.
Comment: This variant is classified as likely benign based on ACMG/AMP sequence variant interpretation guidelines (Richards et al. 2015 PMID: 25741868, with internal and published modifications).

NM_032242.4(PLXNA1):c.4368C>T (p.Cys1456=)

Gene: PLXNA1 (plexin A1; plus strand). Cytogenetic location: 3q21.3.
Variant type: single nucleotide variant.
Coding change: c.4368C>T on transcript NM_032242.4 (MANE Select); coding-DNA position 4368, C replaced by T.
Protein change: p.Cys1456=; no amino-acid change (cysteine 1456 retained).
Molecular consequence: synonymous variant.
Genome position (GRCh38, 1-based): chr3:127,027,945, C>T. VCF-style: chr3-127027945-C-T. GRCh37 (hg19) VCF-style: chr3-126746788-C-T.
Identifiers: ClinVar variation 3354695 (VCV003354695.1).